The following is an entry in ClinVar:

ClinVar aggregate classification (germline): Uncertain significance (1 of 4 stars; one submission).

gnomAD v4.1: 1 of 1,613,988 alleles (0.000062%); highest among the groups gnomAD compares: African/African-American, 0.0013%; no homozygotes.

Submission:

Labcorp Genetics (formerly Invitae), Labcorp
Classification: Uncertain significance. Last evaluated: 2022-02-08. Review status: criteria provided, single submitter. Criteria: Invitae Variant Classification Sherloc (09022015). Collection method: clinical testing. Allele origin: germline.
Comment: This variant has not been reported in the literature in individuals affected with LRP2-related conditions. Algorithms developed to predict the effect of missense changes on protein structure and function are either unavailable or do not agree on the potential impact of this missense change (SIFT: "Deleterious"; PolyPhen-2: "Benign"; Align-GVGD: "Class C0"). Algorithms developed to predict the effect of sequence changes on RNA splicing suggest that this variant may create or strengthen a splice site. In summary, the available evidence is currently insufficient to determine the role of this variant in disease. Therefore, it has been classified as a Variant of Uncertain Significance. This variant is not present in population databases (gnomAD no frequency). This sequence change replaces asparagine, which is neutral and polar, with lysine, which is basic and polar, at codon 117 of the LRP2 protein (p.Asn117Lys).

NM_004525.3(LRP2):c.351T>A (p.Asn117Lys)

Gene: LRP2 (LDL receptor related protein 2; minus strand). Cytogenetic location: 2q31.1.
Variant type: single nucleotide variant.
Coding change: c.351T>A on transcript NM_004525.3 (MANE Select); coding-DNA position 351, T replaced by A.
Protein change: p.Asn117Lys; replaces asparagine 117 with lysine.
Molecular consequence: missense variant.
Genome position (GRCh38, 1-based): chr2:169,307,357, A>T on the plus strand (T>A on the coding strand, the complement: LRP2 is on the minus strand). VCF-style: chr2-169307357-A-T. GRCh37 (hg19) VCF-style: chr2-170163867-A-T.
Other names: short protein forms N117K.
Identifiers: ClinVar variation 1474789 (VCV001474789.6), dbSNP rs1275076469, ClinGen allele CA349168569.